The following is an entry in ClinVar:

NM_178170.3(NEK8):c.778C>T (p.Arg260Cys)

Gene: NEK8 (NIMA related kinase 8; plus strand). Cytogenetic location: 17q11.2.
Variant type: single nucleotide variant.
Coding change: c.778C>T on transcript NM_178170.3 (MANE Select); coding-DNA position 778, C replaced by T.
Protein change: p.Arg260Cys; replaces arginine 260 with cysteine.
Molecular consequence: missense variant.
Genome position (GRCh38, 1-based): chr17:28,737,465, C>T. VCF-style: chr17-28737465-C-T. GRCh37 (hg19) VCF-style: chr17-27064483-C-T.
Other names: short protein forms R260C.
Identifiers: ClinVar variation 2477130 (VCV002477130.4), dbSNP rs749926987, ClinGen allele CA8467160.

ClinVar aggregate classification (germline): Uncertain significance. Review status: criteria provided, multiple submitters, no conflicts (2 of 4 stars). 3 submissions from 3 submitters: Uncertain significance (3). Last evaluated 2025-06-29.

Conditions:
Nephronophthisis 9 (NPHP9). Identifiers: Orphanet 655, MedGen C3151188, MONDO:0013444, OMIM 613824.
Polycystic kidney disease 8. Identifiers: MedGen C5935640, MONDO:0971178, OMIM 620903.
Renal-hepatic-pancreatic dysplasia 2 (RHPD2). Identifiers: MedGen C3809434, MONDO:0014174, OMIM 615415.
Inborn genetic diseases. Identifiers: MedGen C0950123, MeSH D030342.

Allele frequency attached by ClinVar (database versions not stated): ExAC 0.00002; gnomAD 0.00003; gnomAD exomes 0.00004; TOPMed 0.00004.
gnomAD v4.1: 58 of 1,613,016 alleles (0.0036%); highest among the groups gnomAD compares: South Asian, 0.0099%; no homozygotes.

Submissions (3):

Labcorp Genetics (formerly Invitae), Labcorp
Classification: Uncertain significance for Nephronophthisis 9. Last evaluated: 2025-06-29. Review status: criteria provided, single submitter. Criteria: Invitae Variant Classification Sherloc (09022015). Collection method: clinical testing. Allele origin: germline.
Comment: This sequence change replaces arginine, which is basic and polar, with cysteine, which is neutral and slightly polar, at codon 260 of the NEK8 protein (p.Arg260Cys). This variant is present in population databases (rs749926987, gnomAD 0.02%). This variant has not been reported in the literature in individuals affected with NEK8-related conditions. ClinVar contains an entry for this variant (Variation ID: 2477130). An algorithm developed to predict the effect of missense changes on protein structure and function (PolyPhen-2) suggests that this variant is likely to be tolerated. In summary, the available evidence is currently insufficient to determine the role of this variant in disease. Therefore, it has been classified as a Variant of Uncertain Significance.

Fulgent Genetics
Classification: Uncertain significance for Nephronophthisis 9; Renal-hepatic-pancreatic dysplasia 2; Polycystic kidney disease 8. Last evaluated: 2024-04-09. Review status: criteria provided, single submitter. Criteria: ACMG Guidelines, 2015. Collection method: clinical testing. Allele origin: germline.

Ambry Genetics
Classification: Uncertain significance for Inborn genetic diseases. Last evaluated: 2023-01-23. Review status: criteria provided, single submitter. Criteria: Ambry Variant Classification Scheme 2023. Collection method: clinical testing. Allele origin: germline.